The following is an entry in ClinVar:

NM_001166108.2(PALLD):c.2491G>T (p.Gly831Trp)

Genes: CBR4 (carbonyl reductase 4; minus strand), PALLD (palladin, cytoskeletal associated protein; plus strand). Cytogenetic location: 4q32.3.
Variant type: single nucleotide variant.
Coding change: c.2491G>T on transcript NM_001166108.2 (MANE Select); coding-DNA position 2491, G replaced by T.
Protein change: p.Gly831Trp; replaces glycine 831 with tryptophan.
Molecular consequence: missense variant.
Genome position (GRCh38, 1-based): chr4:168,903,775, G>T. VCF-style: chr4-168903775-G-T. GRCh37 (hg19) VCF-style: chr4-169824926-G-T.
Other names: c.979G>T (NM_001166110.1); c.1294G>T, p.Gly432Trp (NM_001166109.2); c.979G>T, p.Gly327Trp (NM_001166110.2); c.319G>T, p.Gly107Trp (NM_001367567.1, NM_001367569.1); c.370G>T, p.Gly124Trp (NM_001367568.1, NM_001367570.1); c.2440G>T, p.Gly814Trp (NM_016081.4); short protein forms G107W, G124W, G327W, G432W, G814W, G831W.
Identifiers: ClinVar variation 4130408 (VCV004130408.1).

ClinVar aggregate classification (germline): Uncertain significance (1 of 4 stars; one submission).

Submission:

Ambry Genetics
Classification: Uncertain significance. Last evaluated: 2025-07-14. Review status: criteria provided, single submitter. Criteria: Ambry Variant Classification Scheme 2023. Collection method: clinical testing. Allele origin: germline.
Comment: The p.G327W variant (also known as c.979G>T), located in coding exon 5 of the PALLD gene, results from a G to T substitution at nucleotide position 979. The glycine at codon 327 is replaced by tryptophan, an amino acid with highly dissimilar properties. This amino acid position is conserved. In addition, this alteration is predicted to be deleterious by in silico analysis. Based on the available evidence, the clinical significance of this variant remains unclear.